The following is an entry in ClinVar:

NM_015346.4(ZFYVE26):c.5501_5503del (p.His1834_Cys1835delinsArg)

Gene: ZFYVE26 (zinc finger FYVE-type containing 26; minus strand). Cytogenetic location: 14q24.1.
Variant type: Deletion.
Coding change: c.5501_5503del on transcript NM_015346.4 (MANE Select); coding-DNA positions 5501 to 5503, 3 bases deleted (ATT; older notation c.5501_5503delATT).
Protein change: p.His1834_Cys1835delinsArg.
Molecular consequence: inframe indel.
Genome position (GRCh38, 1-based): chr14:67,769,712-67,769,714, AAT deleted on the plus strand (ATT on the coding strand, the reverse complement: ZFYVE26 is on the minus strand). VCF-style (leftmost placement, unchanged base first): chr14-67769711-CAAT-C. GRCh37 (hg19) VCF-style: chr14-68236428-CAAT-C.
Identifiers: ClinVar variation 5003892 (VCV005003892.1).

ClinVar aggregate classification (germline): Uncertain significance (1 of 4 stars; one submission).

Conditions:
Hereditary spastic paraplegia 15 (SPG15). Also called: SPASTIC PARAPLEGIA AND RETINAL DEGENERATION; SPASTIC PARAPLEGIA 15, AUTOSOMAL RECESSIVE; KJELLIN SYNDROME. Identifiers: Orphanet 100996, MedGen C1849128, MONDO:0010044, OMIM 270700.

Submission:

Myriad Genetics, Inc.
Classification: Uncertain significance for Hereditary spastic paraplegia 15. Last evaluated: 2025-08-05. Review status: criteria provided, single submitter. Criteria: Myriad Autosomal Dominant, Autosomal Recessive and X-Linked Classification Criteria (2023). Collection method: clinical testing. Allele origin: unknown.
Comment: NM_015346.3(ZFYVE26):c.5501_5503delATT(H1834_C1835delinsR) is an in-frame deletion classified as a variant of uncertain significance in the context of spastic paraplegia type 15. H1834_C1835delinsR has not been observed in cases with relevant disease. Relevant functional assessments of this variant are not available in the literature. H1834_C1835delinsR has not been observed in referenced population frequency databases. In summary, there is insufficient evidence to classify NM_015346.3(ZFYVE26):c.5501_5503delATT(H1834_C1835delinsR) as pathogenic or benign. Please note: this variant was assessed in the context of healthy population screening.